The following is an entry in ClinVar:

NM_144499.3(GNAT1):c.419C>A (p.Ser140Ter)

Gene: GNAT1 (G protein subunit alpha transducin 1; plus strand). Cytogenetic location: 3p21.31.
Variant type: single nucleotide variant.
Coding change: c.419C>A on transcript NM_144499.3 (MANE Select); coding-DNA position 419, C replaced by A.
Protein change: p.Ser140Ter; replaces serine 140 with a stop codon.
Molecular consequence: nonsense.
Genome position (GRCh38, 1-based): chr3:50,193,633, C>A. VCF-style: chr3-50193633-C-A. GRCh37 (hg19) VCF-style: chr3-50231066-C-A.
Other names: c.419C>A, p.Ser140Ter (NM_000172.4); short protein forms S140*.
Identifiers: ClinVar variation 2877753 (VCV002877753.3), dbSNP rs1440003996, ClinGen allele CA352915473.

ClinVar aggregate classification (germline): Pathogenic (1 of 4 stars; one submission).

Allele frequency attached by ClinVar (database versions not stated): TOPMed 0.00001.

Submission:

Labcorp Genetics (formerly Invitae), Labcorp
Classification: Pathogenic. Last evaluated: 2023-01-27. Review status: criteria provided, single submitter. Criteria: Invitae Variant Classification Sherloc (09022015). Collection method: clinical testing. Allele origin: germline.
Comment: This sequence change creates a premature translational stop signal (p.Ser140*) in the GNAT1 gene. It is expected to result in an absent or disrupted protein product. Loss-of-function variants in GNAT1 are known to be pathogenic (PMID: 11095744, 31736247). This variant is present in population databases (no rsID available, gnomAD 0.002%). This variant has not been reported in the literature in individuals affected with GNAT1-related conditions. For these reasons, this variant has been classified as Pathogenic.

Literature cited by the submitters: PubMed 11095744; PubMed 31736247.